The following is an entry in ClinVar:

ClinVar aggregate classification (germline): Conflicting classifications of pathogenicity. Review status: criteria provided, conflicting classifications (1 of 4 stars). 3 submissions from 3 submitters: Uncertain significance (1); Benign (1); Likely benign (1). Last evaluated 2025-10-01.

Conditions:
Inborn genetic diseases. Identifiers: MedGen C0950123, MeSH D030342.
Hereditary diffuse leukoencephalopathy with spheroids. Also called: LEUKOENCEPHALOPATHY, ADULT-ONSET, WITH AXONAL SPHEROIDS AND PIGMENTED GLIA. Identifiers: Orphanet 313808, MedGen C3711381, MONDO:0030796.

Allele frequency attached by ClinVar (database versions not stated): gnomAD exomes 0.00004 and 0.00003; TOPMed 0.00001; ExAC 0.00004.
gnomAD v4.1: 43 of 1,614,028 alleles (0.0027%); highest among the groups gnomAD compares: East Asian, 0.0089%; no homozygotes.

Submissions (3):

Labcorp Genetics (formerly Invitae), Labcorp
Classification: Likely benign. Last evaluated: 2025-10-01. Review status: criteria provided, single submitter. Criteria: Invitae Variant Classification Sherloc (09022015). Collection method: clinical testing. Allele origin: germline.

Ambry Genetics
Classification: Uncertain significance for Inborn genetic diseases. Last evaluated: 2022-01-18. Review status: criteria provided, single submitter. Criteria: Ambry Variant Classification Scheme 2023. Collection method: clinical testing. Allele origin: germline.

Illumina Laboratory Services, Illumina
Classification: Benign for Leukoencephalopathy, diffuse hereditary, with spheroids 1. Last evaluated: 2018-01-13. Review status: criteria provided, single submitter. Criteria: ICSL Variant Classification Criteria 13 December 2019. Collection method: clinical testing. Allele origin: germline.
Comment: This variant was observed in the ICSL laboratory as part of a predisposition screen in an ostensibly healthy population. It had not been previously curated by ICSL or reported in the Human Gene Mutation Database (HGMD: prior to June 1st, 2018), and was therefore a candidate for classification through an automated scoring system. Utilizing variant allele frequency, disease prevalence and penetrance estimates, and inheritance mode, an automated score was calculated to assess if this variant is too frequent to cause the disease. Based on the score and internal cut-off values, a variant classified as benign is not then subjected to further curation. The score for this variant resulted in a classification of benign for this disease.

NM_001288705.3(CSF1R):c.943G>A (p.Val315Met)

Gene: CSF1R (colony stimulating factor 1 receptor; minus strand). Cytogenetic location: 5q32.
Variant type: single nucleotide variant.
Coding change: c.943G>A on transcript NM_001288705.3 (MANE Select); coding-DNA position 943, G replaced by A.
Protein change: p.Val315Met; replaces valine 315 with methionine.
Molecular consequence: missense variant. On other transcripts: non-coding transcript variant (2).
Genome position (GRCh38, 1-based): chr5:150,073,440, C>T on the plus strand (G>A on the coding strand, the complement: CSF1R is on the minus strand). VCF-style: chr5-150073440-C-T. GRCh37 (hg19) VCF-style: chr5-149453003-C-T.
Other names: c.943G>A, p.Val315Met (NM_001349736.2, NM_001375320.1, NM_005211.4); c.499G>A, p.Val167Met (NM_001375321.1); short protein forms V315M, V167M.
Identifiers: ClinVar variation 904113 (VCV000904113.10), dbSNP rs756763314, ClinGen allele CA3506984.